The following is an entry in ClinVar:

ClinVar aggregate classification (germline): Benign. Review status: criteria provided, single submitter (1 of 4 stars). 2 submissions from 2 submitters: Benign (1). 1 of the submissions does not count toward it. Last evaluated 2025-12-19.

Conditions:
INTU-related disorder. Also called: INTU-related condition.

Allele frequency attached by ClinVar (database versions not stated): gnomAD exomes 0.00014; ExAC 0.00054; gnomAD 0.00194; ESP Exome Variant Server 0.00200; TOPMed 0.00204; 1000 Genomes Project 0.00260; 1000 Genomes Project 30x 0.00297.
gnomAD v4.1: 504 of 1,614,072 alleles (0.031%); highest among the groups gnomAD compares: African/African-American, 0.6%; 2 homozygotes.

Submissions (2):

Labcorp Genetics (formerly Invitae), Labcorp
Classification: Benign. Last evaluated: 2025-12-19. Review status: criteria provided, single submitter. Criteria: Invitae Variant Classification Sherloc (09022015). Collection method: clinical testing. Allele origin: germline.

PreventionGenetics, part of Exact Sciences
Classification: Likely benign for INTU-related condition. Last evaluated: 2019-09-30. Review status: no assertion criteria provided. Collection method: clinical testing. Allele origin: germline. Not counted in ClinVar's aggregate classification.
Comment: This variant is classified as likely benign based on ACMG/AMP sequence variant interpretation guidelines (Richards et al. 2015 PMID: 25741868, with internal and published modifications).

NM_015693.4(INTU):c.2131T>C (p.Cys711Arg)

Gene: INTU (inturned planar cell polarity protein; plus strand). Cytogenetic location: 4q28.1.
Variant type: single nucleotide variant.
Coding change: c.2131T>C on transcript NM_015693.4 (MANE Select); coding-DNA position 2131, T replaced by C.
Protein change: p.Cys711Arg; replaces cysteine 711 with arginine.
Molecular consequence: missense variant.
Genome position (GRCh38, 1-based): chr4:127,706,829, T>C. VCF-style: chr4-127706829-T-C. GRCh37 (hg19) VCF-style: chr4-128627984-T-C.
Other names: c.2131T>C (NM_015693.3); short protein forms C711R.
Identifiers: ClinVar variation 2059796 (VCV002059796.6), dbSNP rs143338739, ClinGen allele CA3075254.
Genomic context (GRCh38, chr4:127,706,829, plus strand): 5'-ACATGCAGAAGAACGCTTTTTGGTGACTATTCCTTAAAGACACGCAAGCCTAGTCCTTCC[T>C]GTAGTAGTGGAGGATCTGACAATGGTTGTGAAGGTGGAGAAGATGATGGCTTTAGCCCCC-3'
Protein context (NP_056508.2, residues 701-721): SLKTRKPSPS[Cys711Arg]SSGGSDNGCE